The following is an entry in ClinVar:

ClinVar aggregate classification (germline): Uncertain significance. Review status: criteria provided, multiple submitters, no conflicts (2 of 4 stars). 2 submissions from 2 submitters: Uncertain significance (2). Last evaluated 2025-09-11.

Conditions:
Inborn genetic diseases. Identifiers: MedGen C0950123, MeSH D030342.

Allele frequency attached by ClinVar (database versions not stated): gnomAD exomes below 0.00001 and 0.00001; ExAC 0.00001; gnomAD 0.00001; TOPMed 0.00001.
gnomAD v4.1: 8 of 1,613,164 alleles (0.0005%); highest among the groups gnomAD compares: Non-Finnish European, 0.00051%; no homozygotes.

Submissions (2):

Ambry Genetics
Classification: Uncertain significance for Inborn genetic diseases. Last evaluated: 2025-09-11. Review status: criteria provided, single submitter. Criteria: Ambry Variant Classification Scheme 2023. Collection method: clinical testing. Allele origin: germline.

Labcorp Genetics (formerly Invitae), Labcorp
Classification: Uncertain significance. Last evaluated: 2025-02-24. Review status: criteria provided, single submitter. Criteria: Invitae Variant Classification Sherloc (09022015). Collection method: clinical testing. Allele origin: germline.
Comment: This sequence change replaces threonine, which is neutral and polar, with isoleucine, which is neutral and non-polar, at codon 732 of the SI protein (p.Thr732Ile). This variant is present in population databases (rs772060606, gnomAD 0.003%). This variant has not been reported in the literature in individuals affected with SI-related conditions. ClinVar contains an entry for this variant (Variation ID: 1473168). Invitae Evidence Modeling of protein sequence and biophysical properties (such as structural, functional, and spatial information, amino acid conservation, physicochemical variation, residue mobility, and thermodynamic stability) indicates that this missense variant is not expected to disrupt SI protein function with a negative predictive value of 95%. In summary, the available evidence is currently insufficient to determine the role of this variant in disease. Therefore, it has been classified as a Variant of Uncertain Significance.

NM_001041.4(SI):c.2195C>T (p.Thr732Ile)

Gene: SI (sucrase-isomaltase; minus strand). Cytogenetic location: 3q26.1.
Variant type: single nucleotide variant.
Coding change: c.2195C>T on transcript NM_001041.4 (MANE Select); coding-DNA position 2195, C replaced by T.
Protein change: p.Thr732Ile; replaces threonine 732 with isoleucine.
Molecular consequence: missense variant.
Genome position (GRCh38, 1-based): chr3:165,039,936, G>A on the plus strand (C>T on the coding strand, the complement: SI is on the minus strand). VCF-style: chr3-165039936-G-A. GRCh37 (hg19) VCF-style: chr3-164757724-G-A.
Other names: c.2195C>T (NM_001041.3); short protein forms T732I.
Identifiers: ClinVar variation 1473168 (VCV001473168.5), dbSNP rs772060606, ClinGen allele CA2690804.